The following is an entry in ClinVar:

NM_001170629.2(CHD8):c.3058A>G (p.Lys1020Glu)

Gene: CHD8 (chromodomain helicase DNA binding protein 8; minus strand). Cytogenetic location: 14q11.2.
Variant type: single nucleotide variant.
Coding change: c.3058A>G on transcript NM_001170629.2 (MANE Select); coding-DNA position 3058, A replaced by G.
Protein change: p.Lys1020Glu; replaces lysine 1020 with glutamic acid.
Molecular consequence: missense variant.
Genome position (GRCh38, 1-based): chr14:21,405,458, T>C on the plus strand (A>G on the coding strand, the complement: CHD8 is on the minus strand). VCF-style: chr14-21405458-T-C. GRCh37 (hg19) VCF-style: chr14-21873617-T-C.
Other names: c.2221A>G, p.Lys741Glu (NM_020920.4); short protein forms K1020E, K741E.
Identifiers: ClinVar variation 3363726 (VCV003363726.1).
Genomic context (GRCh38, chr14:21,405,458, plus strand): 5'-TTTTTTCAACATCCTCTTTGAGTCTTCTCAGCATCATTGGCTTAAGAATGGCCTGTAGCT[T>C]TTGAACCTGTGGTCCATTACAGAGAGAAAAATAAATCAATAAGATGAGGGCGAACATTCT-3'
Protein context (NP_001164100.1, residues 1010-1030): GDLKTEEQVQ[Lys1020Glu]LQAILKPMML

ClinVar aggregate classification (germline): Uncertain significance (1 of 4 stars; one submission).

gnomAD v4.1: 19 of 1,601,944 alleles (0.0012%); highest among the groups gnomAD compares: Non-Finnish European, 0.0014%; no homozygotes.

Submission:

GeneDx
Classification: Uncertain significance. Last evaluated: 2023-10-31. Review status: criteria provided, single submitter. Criteria: GeneDx Variant Classification Process June 2021. Collection method: clinical testing. Allele origin: germline. Affected: yes.
Comment: Not observed at significant frequency in large population cohorts (gnomAD); In silico analysis supports that this missense variant has a deleterious effect on protein structure/function; Has not been previously published as pathogenic or benign to our knowledge